The following is an entry in ClinVar:

NM_198252.3(GSN):c.-9-2001C>T

Gene: GSN (gelsolin; plus strand). Cytogenetic location: 9q33.2.
Variant type: single nucleotide variant.
Coding change: c.-9-2001C>T on transcript NM_198252.3 (MANE Select); 2001 bases into the intron before 9 bases upstream of the start codon, C replaced by T.
Molecular consequence: intron variant. On other transcripts: missense variant (1).
Genome position (GRCh38, 1-based): chr9:121,299,962, C>T. VCF-style: chr9-121299962-C-T. GRCh37 (hg19) VCF-style: chr9-124062240-C-T.
Other names: c.101C>T, p.Ala34Val (NM_000177.5); c.-9-2001C>T (NM_001353054.1, NM_001353053.1, NM_001353060.2 and 5 more transcripts); c.-47-94C>T (NM_001353064.2, NM_001353066.2, NM_001353072.2 and 8 more transcripts); c.-1-2009C>T (NM_001353058.2, NM_001353059.2, NM_001353056.2 and 1 more transcripts); c.-38-103C>T (NM_001353073.2, NM_001353065.2, NM_001353068.2 and 2 more transcripts); c.100-2001C>T (NM_001127663.2); c.-32-109C>T (NM_001353070.2); c.-48-1962C>T (NM_001353055.2); and 3 more; short protein forms A34V.
Identifiers: ClinVar variation 1995171 (VCV001995171.4), dbSNP rs2133143627, ClinGen allele CA374752100.

ClinVar aggregate classification (germline): Uncertain significance (1 of 4 stars; one submission).

Allele frequency attached by ClinVar (database versions not stated): gnomAD exomes below 0.00001.
gnomAD v4.1: 6 of 1,287,138 alleles (0.00047%); highest among the groups gnomAD compares: Non-Finnish European, 0.00049%; no homozygotes.

Submission:

Labcorp Genetics (formerly Invitae), Labcorp
Classification: Uncertain significance. Last evaluated: 2022-08-27. Review status: criteria provided, single submitter. Criteria: Invitae Variant Classification Sherloc (09022015). Collection method: clinical testing. Allele origin: germline.
Comment: This sequence change replaces alanine, which is neutral and non-polar, with valine, which is neutral and non-polar, at codon 34 of the GSN protein (p.Ala34Val). In summary, the available evidence is currently insufficient to determine the role of this variant in disease. Therefore, it has been classified as a Variant of Uncertain Significance. This variant is not present in population databases (gnomAD no frequency). This variant has not been reported in the literature in individuals affected with GSN-related conditions. Algorithms developed to predict the effect of missense changes on protein structure and function (SIFT, PolyPhen-2, Align-GVGD) all suggest that this variant is likely to be tolerated.